The following is an entry in ClinVar:

NM_172245.4(CSF2RA):c.1125+101A>C

Gene: CSF2RA (colony stimulating factor 2 receptor subunit alpha; plus strand). Cytogenetic location: Xp22.33.
Variant type: single nucleotide variant.
Coding change: c.1125+101A>C on transcript NM_172245.4 (MANE Select); 101 bases into the intron after coding-DNA position 1125, A replaced by C.
Molecular consequence: intron variant. On other transcripts: missense variant (2).
Genome position (GRCh38, 1-based): chrX:1,305,628, A>C. VCF-style: chrX-1305628-A-C. GRCh37 (hg19) VCF-style: chrX-1424521-A-C.
Other names: c.1126A>C, p.Met376Leu (NM_001161531.2, NM_001379155.1); c.1125+101A>C (NM_001379163.1, NM_001379159.1, NM_001379162.1 and 7 more transcripts); c.*26+101A>C (NM_001379167.1, NM_001379169.1, NM_172249.4 and 2 more transcripts); c.1227+101A>C (NM_001379154.1, NM_001161530.2, NM_001379153.1); c.947-3774A>C (NM_172246.4); c.1095+101A>C (NM_001379160.1); c.936+101A>C (NM_001379166.1); c.726+101A>C (NM_001161532.2); short protein forms M376L.
Identifiers: ClinVar variation 4989661 (VCV004989661.1).

ClinVar aggregate classification (germline): Likely benign (1 of 4 stars; one submission).

Conditions:
CSF2RA-related disorder. Also called: CSF2RA-related condition.

gnomAD v4.1: 51 of 1,613,210 alleles (0.0032%); highest among the groups gnomAD compares: African/African-American, 0.063%; no homozygotes.

Submission:

PreventionGenetics, part of Exact Sciences
Classification: Likely benign for CSF2RA-related condition. Last evaluated: 2026-04-11. Review status: criteria provided, single submitter. Criteria: ACMG Guidelines, 2015. Collection method: clinical testing. Allele origin: germline.
Comment: This variant is classified as likely benign based on ACMG/AMP sequence variant interpretation guidelines (Richards et al. 2015 PMID: 25741868, with internal and published modifications).